The following is an entry in ClinVar:

NM_002382.5(MAX):c.68A>T (p.Asp23Val)

Genes: MAX (MYC associated transcriptional regulator X; minus strand), MAX-AS1 (MAX antisense RNA 1; plus strand). Cytogenetic location: 14q23.3.
Variant type: single nucleotide variant.
Coding change: c.68A>T on transcript NM_002382.5 (MANE Select); coding-DNA position 68, A replaced by T.
Protein change: p.Asp23Val; replaces aspartic acid 23 with valine.
Molecular consequence: missense variant. On other transcripts: non-coding transcript variant (1), 5 prime UTR variant (1).
Genome position (GRCh38, 1-based): chr14:65,093,811, T>A on the plus strand (A>T on the coding strand, the complement: MAX is on the minus strand). VCF-style: chr14-65093811-T-A. GRCh37 (hg19) VCF-style: chr14-65560529-T-A.
Other names: c.41A>T, p.Asp14Val (NM_001271068.2, NM_001271069.2, NM_001407095.1 and 9 more transcripts); c.-207A>T (NM_001320415.2, NM_001407105.1, NM_001407106.1 and 1 more transcripts); c.68A>T, p.Asp23Val (NM_001407094.1, NM_001407096.1, NM_001407097.1 and 5 more transcripts); c.-300A>T (NM_001407111.1, NM_001407112.1); c.91A>T, p.Thr31Ser (NM_001407114.1); short protein forms D14V, D23V, T31S.
Identifiers: ClinVar variation 1939716 (VCV001939716.5), dbSNP rs2139887283, ClinGen allele CA390037829.
Genomic context (GRCh38, chr14:65,093,811, plus strand): 5'-AAGCTGTCTTTGATGTGGTCCCTACGTTTTCGTTCCAGTGCATTATGATGAGCCCGTTTG[T>A]CAGCCTAGAAGAATGGGAGAAAGAACACATTAGGAATGTCACTCCTTTTGCTTGGTACAA-3'
Protein context (NP_002373.3, residues 13-33): EEQPRFQSAA[Asp23Val]KRAHHNALER

ClinVar aggregate classification (germline): Uncertain significance (1 of 4 stars; one submission).

Conditions:
Hereditary pheochromocytoma and paraganglioma. Also called: Hereditary paragangliomas and pheochromocytomas; Hereditary Paraganglioma-Pheochromocytoma Syndromes; Hereditary pheochromocytoma-paraganglioma. Identifiers: Orphanet 29072, MedGen C4274332, MONDO:0017366.

Submission:

Labcorp Genetics (formerly Invitae), Labcorp
Classification: Uncertain significance for Hereditary pheochromocytoma and paraganglioma. Last evaluated: 2022-06-14. Review status: criteria provided, single submitter. Criteria: Invitae Variant Classification Sherloc (09022015). Collection method: clinical testing. Allele origin: germline.
Comment: This variant is not present in population databases (gnomAD no frequency). This sequence change replaces aspartic acid, which is acidic and polar, with valine, which is neutral and non-polar, at codon 23 of the MAX protein (p.Asp23Val). This variant has not been reported in the literature in individuals affected with MAX-related conditions. In summary, the available evidence is currently insufficient to determine the role of this variant in disease. Therefore, it has been classified as a Variant of Uncertain Significance. Algorithms developed to predict the effect of missense changes on protein structure and function are either unavailable or do not agree on the potential impact of this missense change (SIFT: "Deleterious"; PolyPhen-2: "Benign"; Align-GVGD: "Class C0").